The following is an entry in ClinVar:

ClinVar aggregate classification (germline): Uncertain significance (1 of 4 stars; one submission).

Conditions:
Hyperammonemia, type III (NAGSD). Also called: Hyperammonemia due to N-acetylglutamate synthase deficiency. Identifiers: Orphanet 927, MedGen C0268543, MONDO:0009377, OMIM 237310.

Allele frequency attached by ClinVar (database versions not stated): gnomAD exomes below 0.00001.
gnomAD v4.1: 2 of 1,591,230 alleles (0.00013%); highest among the groups gnomAD compares: Non-Finnish European, 0.00017%; no homozygotes.

Submission:

Labcorp Genetics (formerly Invitae), Labcorp
Classification: Uncertain significance for Hyperammonemia, type III. Last evaluated: 2022-03-18. Review status: criteria provided, single submitter. Criteria: Invitae Variant Classification Sherloc (09022015). Collection method: clinical testing. Allele origin: germline.
Comment: This sequence change replaces proline, which is neutral and non-polar, with leucine, which is neutral and non-polar, at codon 183 of the NAGS protein (p.Pro183Leu). The frequency data for this variant in the population databases is considered unreliable, as metrics indicate poor data quality at this position in the gnomAD database. This variant has not been reported in the literature in individuals affected with NAGS-related conditions. Algorithms developed to predict the effect of missense changes on protein structure and function (SIFT, PolyPhen-2, Align-GVGD) all suggest that this variant is likely to be tolerated. In summary, the available evidence is currently insufficient to determine the role of this variant in disease. Therefore, it has been classified as a Variant of Uncertain Significance.

NM_153006.3(NAGS):c.548C>T (p.Pro183Leu)

Gene: NAGS (N-acetylglutamate synthase; plus strand). Cytogenetic location: 17q21.31.
Variant type: single nucleotide variant.
Coding change: c.548C>T on transcript NM_153006.3 (MANE Select); coding-DNA position 548, C replaced by T.
Protein change: p.Pro183Leu; replaces proline 183 with leucine.
Molecular consequence: missense variant.
Genome position (GRCh38, 1-based): chr17:44,005,758, C>T. VCF-style: chr17-44005758-C-T. GRCh37 (hg19) VCF-style: chr17-42083126-C-T.
Other names: short protein forms P183L.
Identifiers: ClinVar variation 1953051 (VCV001953051.2), dbSNP rs1324466206, ClinGen allele CA399724979.
Genomic context (GRCh38, chr17:44,005,758, plus strand): 5'-TCTTGCAGCGCATGGACATGAAGCCGCTGGTGGTCCTGGGGCTGCCGGCCCCTACGGCTC[C>T]CTCGGGCTGTCTTTCCTTCTGGGAGGCCAAGGCGCAGCTGGCCAAGAGCTGCAAGGTGCT-3'
Protein context (NP_694551.1, residues 173-193): VVLGLPAPTA[Pro183Leu]SGCLSFWEAK